The following is an entry in ClinVar:

NM_177438.3(DICER1):c.2063G>A (p.Arg688Gln)

Gene: DICER1 (dicer 1, ribonuclease III; minus strand). Cytogenetic location: 14q32.13.
Variant type: single nucleotide variant.
Coding change: c.2063G>A on transcript NM_177438.3 (MANE Select); coding-DNA position 2063, G replaced by A.
Protein change: p.Arg688Gln; replaces arginine 688 with glutamine.
Molecular consequence: missense variant.
Genome position (GRCh38, 1-based): chr14:95,112,225, C>T on the plus strand (G>A on the coding strand, the complement: DICER1 is on the minus strand). VCF-style: chr14-95112225-C-T. GRCh37 (hg19) VCF-style: chr14-95578562-C-T.
Other names: c.2063G>A, p.Arg688Gln (NM_001195573.1, NM_001271282.3, NM_001291628.2 and 1 more transcripts); short protein forms R688Q.
Identifiers: ClinVar variation 412086 (VCV000412086.17), dbSNP rs542398644, ClinGen allele CA7331323.

ClinVar aggregate classification (germline): Uncertain significance. Review status: criteria provided, multiple submitters, no conflicts (2 of 4 stars). 3 submissions from 3 submitters: Uncertain significance (3). Last evaluated 2025-11-15.

Conditions:
DICER1-related tumor predisposition. Also called: DICER1-related pleuropulmonary blastoma cancer predisposition syndrome; DICER1 syndrome. Identifiers: Orphanet 284343, MedGen C3839822, MONDO:0100216.
Hereditary cancer-predisposing syndrome. Also called: Hereditary neoplastic syndrome; Neoplastic Syndromes, Hereditary; Tumor predisposition; Hereditary Cancer Syndrome. Identifiers: Orphanet 140162, MedGen C0027672, MeSH D009386, MONDO:0015356.

Allele frequency attached by ClinVar (database versions not stated): gnomAD 0.00002 and 0.00003; TOPMed 0.00002; 1000 Genomes Project 0.00020; 1000 Genomes Project 30x 0.00031.
gnomAD v4.1: 26 of 1,613,990 alleles (0.0016%); highest among the groups gnomAD compares: South Asian, 0.0077%; no homozygotes.

Submissions (3):

Labcorp Genetics (formerly Invitae), Labcorp
Classification: Uncertain significance for DICER1-related tumor predisposition. Last evaluated: 2025-11-15. Review status: criteria provided, single submitter. Criteria: Invitae Variant Classification Sherloc (09022015). Collection method: clinical testing. Allele origin: germline.
Comment: This sequence change replaces arginine, which is basic and polar, with glutamine, which is neutral and polar, at codon 688 of the DICER1 protein (p.Arg688Gln). This variant is present in population databases (rs542398644, gnomAD 0.007%). This variant has not been reported in the literature in individuals affected with DICER1-related conditions. ClinVar contains an entry for this variant (Variation ID: 412086). Invitae Evidence Modeling of protein sequence and biophysical properties (such as structural, functional, and spatial information, amino acid conservation, physicochemical variation, residue mobility, and thermodynamic stability) indicates that this missense variant is not expected to disrupt DICER1 protein function with a negative predictive value of 95%. In summary, the available evidence is currently insufficient to determine the role of this variant in disease. Therefore, it has been classified as a Variant of Uncertain Significance.

Ambry Genetics
Classification: Uncertain significance for Hereditary cancer-predisposing syndrome. Last evaluated: 2024-11-14. Review status: criteria provided, single submitter. Criteria: Ambry Variant Classification Scheme 2023. Collection method: clinical testing. Allele origin: germline.
Comment: The p.R688Q variant (also known as c.2063G>A), located in coding exon 12 of the DICER1 gene, results from a G to A substitution at nucleotide position 2063. The arginine at codon 688 is replaced by glutamine, an amino acid with highly similar properties. This amino acid position is highly conserved in available vertebrate species. In addition, the in silico prediction for this alteration is inconclusive. Based on the available evidence, the clinical significance of this variant remains unclear.

Quest Diagnostics Nichols Institute San Juan Capistrano
Classification: Uncertain significance. Last evaluated: 2024-01-29. Review status: criteria provided, single submitter. Criteria: Quest Diagnostics criteria. Collection method: clinical testing. Allele origin: unknown.
Comment: The DICER1 c.2063G>A (p.Arg688Gln) variant has not been reported in individuals with DICER1-related conditions in the published literature. The frequency of this variant in the general population, 0.000016 (4/251378 chromosomes (Genome Aggregation Database)), is uninformative in the assessment of its pathogenicity. Analysis of this variant using bioinformatics tools for the prediction of the effect of amino acid changes on protein structure and function yielded conflicting predictions that this variant is benign or damaging. Based on the available information, we are unable to determine the clinical significance of this variant.